The following is an entry in ClinVar:

NM_007194.4(CHEK2):c.386T>A (p.Leu129Gln)

Gene: CHEK2 (checkpoint kinase 2; minus strand). Cytogenetic location: 22q12.1.
Variant type: single nucleotide variant.
Coding change: c.386T>A on transcript NM_007194.4 (MANE Select); coding-DNA position 386, T replaced by A.
Protein change: p.Leu129Gln; replaces leucine 129 with glutamine.
Molecular consequence: missense variant.
Genome position (GRCh38, 1-based): chr22:28,725,301, A>T on the plus strand (T>A on the coding strand, the complement: CHEK2 is on the minus strand). VCF-style: chr22-28725301-A-T. GRCh37 (hg19) VCF-style: chr22-29121289-A-T.
Other names: c.515T>A, p.Leu172Gln (NM_001005735.3); c.-392T>A (NM_001257387.3); c.386T>A, p.Leu129Gln (NM_001349956.3, NM_145862.3); short protein forms L172Q, L129Q.
Identifiers: ClinVar variation 1735690 (VCV001735690.2), dbSNP rs1555927266, ClinGen allele CA411108057.

ClinVar aggregate classification (germline): Uncertain significance (1 of 4 stars; one submission).

Conditions:
Hereditary cancer-predisposing syndrome. Also called: Neoplastic Syndromes, Hereditary; Tumor predisposition; Hereditary Cancer Syndrome; Hereditary neoplastic syndrome. Identifiers: Orphanet 140162, MedGen C0027672, MeSH D009386, MONDO:0015356.

Submission:

Ambry Genetics
Classification: Uncertain significance for Hereditary cancer-predisposing syndrome. Last evaluated: 2021-03-02. Review status: criteria provided, single submitter. Criteria: Ambry Variant Classification Scheme 2023. Collection method: clinical testing. Allele origin: germline.
Comment: The p.L129Q variant (also known as c.386T>A), located in coding exon 2 of the CHEK2 gene, results from a T to A substitution at nucleotide position 386. The leucine at codon 129 is replaced by glutamine, an amino acid with dissimilar properties. This amino acid position is not well conserved in available vertebrate species. In addition, the in silico prediction for this alteration is inconclusive. Since supporting evidence is limited at this time, the clinical significance of this alteration remains unclear.